The following is an entry in ClinVar:

ClinVar aggregate classification (germline): Uncertain significance (1 of 4 stars; one submission).

gnomAD v4.1: 20 of 1,613,164 alleles (0.0012%); highest among the groups gnomAD compares: Non-Finnish European, 0.0015%; no homozygotes.

Submission:

Labcorp Genetics (formerly Invitae), Labcorp
Classification: Uncertain significance. Last evaluated: 2022-12-02. Review status: criteria provided, single submitter. Criteria: Invitae Variant Classification Sherloc (09022015). Collection method: clinical testing. Allele origin: germline.
Comment: In summary, the available evidence is currently insufficient to determine the role of this variant in disease. Therefore, it has been classified as a Variant of Uncertain Significance. Algorithms developed to predict the effect of missense changes on protein structure and function (SIFT, PolyPhen-2, Align-GVGD) all suggest that this variant is likely to be tolerated. ClinVar contains an entry for this variant (Variation ID: 1352049). This variant has not been reported in the literature in individuals affected with OBSL1-related conditions. This variant is present in population databases (no rsID available, gnomAD 0.002%). This sequence change replaces arginine, which is basic and polar, with serine, which is neutral and polar, at codon 368 of the OBSL1 protein (p.Arg368Ser).

NM_015311.3(OBSL1):c.1102C>A (p.Arg368Ser)

Gene: OBSL1 (obscurin like cytoskeletal adaptor 1; minus strand). Cytogenetic location: 2q35.
Variant type: single nucleotide variant.
Coding change: c.1102C>A on transcript NM_015311.3 (MANE Select); coding-DNA position 1102, C replaced by A.
Protein change: p.Arg368Ser; replaces arginine 368 with serine.
Molecular consequence: missense variant.
Genome position (GRCh38, 1-based): chr2:219,568,235, G>T on the plus strand (C>A on the coding strand, the complement: OBSL1 is on the minus strand). VCF-style: chr2-219568235-G-T. GRCh37 (hg19) VCF-style: chr2-220432957-G-T.
Other names: c.1102C>A, p.Arg368Ser (NM_001173408.2, NM_001173431.2); short protein forms R368S.
Identifiers: ClinVar variation 1352049 (VCV001352049.6), dbSNP rs35009641, ClinGen allele CA350760940.
Genomic context (GRCh38, chr2:219,568,235, plus strand): 5'-GCTCGTACTTGCGGCAGGGCAGCAGCCGCTGGTCCTCACGGAACCAGGCCGTGGGGATGC[G>T]GGAGTTGGGTACTTTACATTCCAGCACGGCAATCCCGTGCTCACGGCCCTCCACGTCCTG-3'
Protein context (NP_056126.1, residues 358-378): AVLECKVPNS[Arg368Ser]IPTAWFREDQ